The following is an entry in ClinVar:

ClinVar aggregate classification (germline): Uncertain significance (1 of 4 stars; one submission).

Submission:

Labcorp Genetics (formerly Invitae), Labcorp
Classification: Uncertain significance. Last evaluated: 2022-07-11. Review status: criteria provided, single submitter. Criteria: Invitae Variant Classification Sherloc (09022015). Collection method: clinical testing. Allele origin: germline.
Comment: This sequence change replaces serine, which is neutral and polar, with cysteine, which is neutral and slightly polar, at codon 2292 of the NBAS protein (p.Ser2292Cys). In summary, the available evidence is currently insufficient to determine the role of this variant in disease. Therefore, it has been classified as a Variant of Uncertain Significance. Algorithms developed to predict the effect of missense changes on protein structure and function are either unavailable or do not agree on the potential impact of this missense change (SIFT: "Deleterious"; PolyPhen-2: "Benign"; Align-GVGD: "Class C65"). ClinVar contains an entry for this variant (Variation ID: 1477911). This variant has not been reported in the literature in individuals affected with NBAS-related conditions. This variant is not present in population databases (gnomAD no frequency).

NM_015909.4(NBAS):c.6875C>G (p.Ser2292Cys)

Gene: NBAS (NBAS subunit of NRZ tethering complex; minus strand). Cytogenetic location: 2p24.3.
Variant type: single nucleotide variant.
Coding change: c.6875C>G on transcript NM_015909.4 (MANE Select); coding-DNA position 6875, C replaced by G.
Protein change: p.Ser2292Cys; replaces serine 2292 with cysteine.
Molecular consequence: missense variant. On other transcripts: non-coding transcript variant (1).
Genome position (GRCh38, 1-based): chr2:15,167,289, G>C on the plus strand (C>G on the coding strand, the complement: NBAS is on the minus strand). VCF-style: chr2-15167289-G-C. GRCh37 (hg19) VCF-style: chr2-15307413-G-C.
Other names: short protein forms S2292C.
Identifiers: ClinVar variation 1477911 (VCV001477911.8), dbSNP rs1267103662, ClinGen allele CA345912095.